The following is an entry in ClinVar:

ClinVar aggregate classification (germline): Likely benign (1 of 4 stars; one submission).

gnomAD v4.1: 3 of 1,601,870 alleles (0.00019%); highest among the groups gnomAD compares: Non-Finnish European, 0.00026%; no homozygotes.

Submission:

CeGaT Center for Human Genetics Tuebingen
Classification: Likely benign. Last evaluated: 2025-11-01. Review status: criteria provided, single submitter. Criteria: CeGaT Center For Human Genetics Tuebingen Variant Classification Criteria Version 2. Collection method: clinical testing. Allele origin: germline. Affected: yes. Observed: 1 variant allele.
Comment: BRD4: BP4

NM_001379291.1(BRD4):c.3905C>T (p.Ala1302Val)

Gene: BRD4 (bromodomain containing 4; minus strand). Cytogenetic location: 19p13.12.
Variant type: single nucleotide variant.
Coding change: c.3905C>T on transcript NM_001379291.1 (MANE Select); coding-DNA position 3905, C replaced by T.
Protein change: p.Ala1302Val; replaces alanine 1302 with valine.
Molecular consequence: missense variant.
Genome position (GRCh38, 1-based): chr19:15,238,858, G>A on the plus strand (C>T on the coding strand, the complement: BRD4 is on the minus strand). VCF-style: chr19-15238858-G-A. GRCh37 (hg19) VCF-style: chr19-15349669-G-A.
Other names: c.3905C>T, p.Ala1302Val (NM_058243.3); short protein forms A1302V.
Identifiers: ClinVar variation 4535164 (VCV004535164.6).
Genomic context (GRCh38, chr19:15,238,858, plus strand): 5'-TCCAGCATGGACTGGGGCTGGGAGCTCTGGGCCTGTGGGGTGGCGGCGGCAGCCACCGCA[G>A]CTGCTTGCTGTTGCTGCTGCTGCTGTTGCTCCTGGCGCTGCTGCTGCTGCTGCTCCTGGC-3'
Protein context (NP_001366220.1, residues 1292-1312): EQQQQQQQQA[Ala1302Val]AVAAAATPQA